The following is an entry in ClinVar:

NM_033517.1:c.4179_4182del

Gene: SHANK3 (SH3 and multiple ankyrin repeat domains 3; plus strand).
Variant type: Deletion.
Other names: c.4179_4182del (NM_033517.1).
Identifiers: ClinVar variation 4075708 (VCV004075708.1).

ClinVar aggregate classification (germline): Pathogenic (1 of 4 stars; one submission).

Submission:

GeneDx
Classification: Pathogenic. Last evaluated: 2025-02-14. Review status: criteria provided, single submitter. Criteria: GeneDx Variant Classification Process June 2021. Collection method: clinical testing. Allele origin: germline. Affected: yes.
Comment: Frameshift variant predicted to result in protein truncation or nonsense mediated decay in a gene for which loss of function is a known mechanism of disease; Not observed at significant frequency in large population cohorts (gnomAD); Has not been previously published as pathogenic or benign to our knowledge